The following is an entry in ClinVar:

NM_014396.4(VPS41):c.1128+2T>A

Gene: VPS41 (VPS41 subunit of HOPS complex; minus strand). Cytogenetic location: 7p14.1.
Variant type: single nucleotide variant.
Coding change: c.1128+2T>A on transcript NM_014396.4 (MANE Select); the canonical splice donor site of the intron after coding-DNA position 1128, T replaced by A.
Molecular consequence: splice donor variant.
Genome position (GRCh38, 1-based): chr7:38,772,520, A>T on the plus strand (T>A on the coding strand, the complement: VPS41 is on the minus strand). VCF-style: chr7-38772520-A-T. GRCh37 (hg19) VCF-style: chr7-38812120-A-T.
Other names: c.1053+2T>A (NM_080631.4).
Identifiers: ClinVar variation 3355928 (VCV003355928.1).

ClinVar aggregate classification (germline): Uncertain significance (0 of 4 stars; one submission).

Conditions:
VPS41-related condition.

gnomAD v4.1: 11 of 1,532,078 alleles (0.00072%); highest among the groups gnomAD compares: Non-Finnish European, 0.0009%; no homozygotes.

Submission:

PreventionGenetics, part of Exact Sciences
Classification: Uncertain significance for VPS41-related condition. Last evaluated: 2024-08-26. Review status: no assertion criteria provided. Collection method: clinical testing. Allele origin: germline.
Comment: The VPS41 c.1128+2T>A variant is predicted to disrupt the GT donor site and interfere with normal splicing. To our knowledge, this variant has not been reported in the literature. This variant is reported in 0.0016% of alleles in individuals of European (Non-Finnish) descent in gnomAD. Although we suspect that this variant may be pathogenic, at this time, the clinical significance of this variant is uncertain due to the absence of conclusive functional and genetic evidence.